The following is an entry in ClinVar:

NM_001278431.2(C1QTNF5):c.393C>A (p.Asn131Lys)

Genes: C1QTNF5 (C1q and TNF related 5; minus strand), MFRP (membrane frizzled-related protein; minus strand). Cytogenetic location: 11q23.3.
Variant type: single nucleotide variant.
Coding change: c.393C>A on transcript NM_001278431.2 (MANE Select); coding-DNA position 393, C replaced by A.
Protein change: p.Asn131Lys; replaces asparagine 131 with lysine.
Molecular consequence: missense variant. On other transcripts: 3 prime UTR variant (1).
Genome position (GRCh38, 1-based): chr11:119,339,670, G>T on the plus strand (C>A on the coding strand, the complement: C1QTNF5 is on the minus strand). VCF-style: chr11-119339670-G-T. GRCh37 (hg19) VCF-style: chr11-119210380-G-T.
Other names: c.393C>A (NM_001278431.1); c.393C>A, p.Asn131Lys (NM_015645.5); c.*1289C>A (NM_031433.4); short protein forms N131K.
Identifiers: ClinVar variation 852164 (VCV000852164.14), dbSNP rs146971652, ClinGen allele CA6319948.

ClinVar aggregate classification (germline): Conflicting classifications of pathogenicity. Review status: criteria provided, conflicting classifications (1 of 4 stars). 6 submissions from 5 submitters: Uncertain significance (3); Likely benign (2). 1 of the submissions does not count toward it. Last evaluated 2026-09-14.

Conditions:
C1QTNF5-related disorder. Also called: C1QTNF5-related condition.
Retinal dystrophy. Also called: Inherited retinal dystrophy. Identifiers: Orphanet 71862, MedGen C0854723, MeSH D058499, MONDO:0019118, HP:0000556.
Isolated microphthalmia 5. Also called: Posterior Microphthalmia with Retinitis Pigmentosa, Foveoschisis, and Optic Disc Drusen. Identifiers: Orphanet 251279, MedGen C1970236, MONDO:0012605, OMIM 611040.
Late-onset retinal degeneration (LORD). Also called: RETINAL DEGENERATION, LATE-ONSET, AUTOSOMAL DOMINANT. Identifiers: Orphanet 67042, MedGen C1854065, MONDO:0011579, OMIM 605670. Disease mechanism: loss of function.

Allele frequency attached by ClinVar (database versions not stated): TOPMed 0.00014; gnomAD exomes 0.00015; ExAC 0.00020; gnomAD 0.00022 and 0.00023; ESP Exome Variant Server 0.00039; 1000 Genomes Project 0.00100; 1000 Genomes Project 30x 0.00109.
gnomAD v4.1: 239 of 1,611,484 alleles (0.015%); highest among the groups gnomAD compares: Admixed American, 0.028%; no homozygotes.

Submissions (6):

PreventionGenetics, part of Exact Sciences
Classification: Uncertain significance for C1QTNF5-related condition. Last evaluated: 2026-09-14. Review status: criteria provided, single submitter. Criteria: ACMG Guidelines, 2015. Collection method: clinical testing. Allele origin: germline.
Comment: The C1QTNF5 c.393C>A variant is predicted to result in the amino acid substitution p.Asn131Lys. This variant is present in 0.030% of alleles in individuals of European (Non-Finnish) descent in gnomAD. Although we suspect that this variant may be benign, at this time, the clinical significance of this variant is uncertain due to the absence of conclusive functional and genetic evidence.

Labcorp Genetics (formerly Invitae), Labcorp
Classification: Likely benign. Last evaluated: 2026-02-01. Review status: criteria provided, single submitter. Criteria: Invitae Variant Classification Sherloc (09022015). Collection method: clinical testing. Allele origin: germline.

Blueprint Genetics
Classification: Likely benign. Last evaluated: 2024-10-17. Review status: criteria provided, single submitter. Criteria: ACMG Guidelines, 2015. Collection method: clinical testing. Allele origin: germline.

Illumina Laboratory Services, Illumina
Classification: Uncertain significance for Late-onset retinal degeneration. Last evaluated: 2018-01-12. Review status: criteria provided, single submitter. Criteria: ICSL Variant Classification Criteria 13 December 2019. Collection method: clinical testing. Allele origin: germline.

Illumina Laboratory Services, Illumina
Classification: Uncertain significance for Isolated microphthalmia 5. Last evaluated: 2018-01-12. Review status: criteria provided, single submitter. Criteria: ICSL Variant Classification Criteria 13 December 2019. Collection method: clinical testing. Allele origin: germline.

Institute of Human Genetics, Univ. Regensburg, Univ. Regensburg
Classification: Uncertain significance for Retinal dystrophy. Last evaluated: 2017-01-01. Review status: no assertion criteria provided. Criteria: ACMG Guidelines, 2015. Collection method: clinical testing. Allele origin: germline. Affected: yes. Not counted in ClinVar's aggregate classification.